The following is an entry in ClinVar:

NM_006415.4(SPTLC1):c.1A>G (p.Met1Val)

Gene: SPTLC1 (serine palmitoyltransferase long chain base subunit 1; minus strand). Cytogenetic location: 9q22.31.
Variant type: single nucleotide variant.
Coding change: c.1A>G on transcript NM_006415.4 (MANE Select); coding-DNA position 1, A replaced by G.
Protein change: p.Met1Val; changes the start codon (methionine 1).
Molecular consequence: missense variant, initiator codon variant. On other transcripts: 5 prime UTR variant (2).
Genome position (GRCh38, 1-based): chr9:92,115,370, T>C on the plus strand (A>G on the coding strand, the complement: SPTLC1 is on the minus strand). VCF-style: chr9-92115370-T-C. GRCh37 (hg19) VCF-style: chr9-94877652-T-C.
Other names: c.1A>G, p.Met1Val (NM_001281303.2, NM_178324.3); c.-499A>G (NM_001368272.1); c.-610A>G (NM_001368273.1); short protein forms M1V.
Identifiers: ClinVar variation 1784174 (VCV001784174.8), dbSNP rs1011924335, ClinGen allele CA195402031.

ClinVar aggregate classification (germline): Uncertain significance. Review status: criteria provided, multiple submitters, no conflicts (2 of 4 stars). 2 submissions from 2 submitters: Uncertain significance (2). Last evaluated 2025-06-09.

Conditions:
Inborn genetic diseases. Identifiers: MedGen C0950123, MeSH D030342.
Hereditary sensory and autonomic neuropathy type 1 (HSAN1). Also called: HSAN 1; HSN Type I; Hereditary Sensory Neuropathy Type I. Identifiers: Orphanet 36386, MedGen C0020071, MONDO:0018213.

Allele frequency attached by ClinVar (database versions not stated): gnomAD exomes 0.00001; gnomAD 0.00003; TOPMed 0.00002.

Submissions (2):

Labcorp Genetics (formerly Invitae), Labcorp
Classification: Uncertain significance for Hereditary sensory and autonomic neuropathy type 1. Last evaluated: 2025-06-09. Review status: criteria provided, single submitter. Criteria: Invitae Variant Classification Sherloc (09022015). Collection method: clinical testing. Allele origin: germline.
Comment: This sequence change affects the initiator codon of the SPTLC1 mRNA. This change may impact translation initiation or efficiency. The next in-frame methionine is located at codon 13. This variant is present in population databases (no rsID available, gnomAD 0.003%). This variant has not been reported in the literature in individuals affected with SPTLC1-related conditions. ClinVar contains an entry for this variant (Variation ID: 1784174). Experimental studies and prediction algorithms are not available or were not evaluated, and the functional significance of this variant is currently unknown. In summary, the available evidence is currently insufficient to determine the role of this variant in disease. Therefore, it has been classified as a Variant of Uncertain Significance.

Ambry Genetics
Classification: Uncertain significance for Inborn genetic diseases. Last evaluated: 2022-07-06. Review status: criteria provided, single submitter. Criteria: Ambry Variant Classification Scheme 2023. Collection method: clinical testing. Allele origin: germline.
Comment: The p.M1? variant (also known as c.1A>G) is located in coding exon 1 of the SPTLC1 gene and results from a A to G substitution at nucleotide position 1. This alters the methionine residue at the initiation codon (ATG). Sequence variations that modify the initiation codon are expected to result in either loss of translation initiation, N-terminal truncation, or cause a shift in the mRNA reading frame. However, loss of function of SPTLC1 has not been clearly established as a mechanism of disease. Since supporting evidence is limited at this time, the clinical significance of this alteration remains unclear.